The following is an entry in ClinVar:

NM_001354768.3(NRL):c.146C>T (p.Pro49Leu)

Gene: NRL (neural retina leucine zipper; minus strand). Cytogenetic location: 14q11.2.
Variant type: single nucleotide variant.
Coding change: c.146C>T on transcript NM_001354768.3 (MANE Select); coding-DNA position 146, C replaced by T.
Protein change: p.Pro49Leu; replaces proline 49 with leucine.
Molecular consequence: missense variant. On other transcripts: intron variant (1).
Genome position (GRCh38, 1-based): chr14:24,082,703, G>A on the plus strand (C>T on the coding strand, the complement: NRL is on the minus strand). VCF-style: chr14-24082703-G-A. GRCh37 (hg19) VCF-style: chr14-24551912-G-A.
Other names: c.146C>T, p.Pro49Leu (NM_001354769.1, NM_006177.5); c.66+80C>T (NM_001354770.2); short protein forms P49L.
Identifiers: ClinVar variation 3769791 (VCV003769791.1).

ClinVar aggregate classification (germline): Pathogenic (1 of 4 stars; one submission).

Submission:

GeneDx
Classification: Pathogenic. Last evaluated: 2024-09-11. Review status: criteria provided, single submitter. Criteria: GeneDx Variant Classification Process June 2021. Collection method: clinical testing. Allele origin: germline. Affected: yes.
Comment: Not observed at significant frequency in large population cohorts (gnomAD); Published functional studies suggest a damaging effect [increase in transactivating Rho espression] (PMID: 27081294); In silico analysis supports that this missense variant has a deleterious effect on protein structure/function; In silico analysis suggests this variant may impact gene splicing. In the absence of RNA/functional studies, the actual effect of this sequence change is unknown.; This variant is associated with the following publications: (PMID: 36140584, 28106895, 37181651, 27081294, 32962414)